The following is an entry in ClinVar:

NM_145020.5(CFAP53):c.1514G>T (p.Arg505Leu)

Gene: CFAP53 (cilia and flagella associated protein 53; minus strand). Cytogenetic location: 18q21.1.
Variant type: single nucleotide variant.
Coding change: c.1514G>T on transcript NM_145020.5 (MANE Select); coding-DNA position 1514, G replaced by T.
Protein change: p.Arg505Leu; replaces arginine 505 with leucine.
Molecular consequence: missense variant.
Genome position (GRCh38, 1-based): chr18:50,227,412, C>A on the plus strand (G>T on the coding strand, the complement: CFAP53 is on the minus strand). VCF-style: chr18-50227412-C-A. GRCh37 (hg19) VCF-style: chr18-47753782-C-A.
Other names: short protein forms R505L.
Identifiers: ClinVar variation 473245 (VCV000473245.10), dbSNP rs766960984, ClinGen allele CA402431546.

ClinVar aggregate classification (germline): Uncertain significance. Review status: criteria provided, multiple submitters, no conflicts (2 of 4 stars). 2 submissions from 2 submitters: Uncertain significance (2). Last evaluated 2025-10-24.

Conditions:
Inborn genetic diseases. Identifiers: MedGen C0950123, MeSH D030342.
Heterotaxy, visceral, 6, autosomal (HTX6). Also called: Heterotaxy, visceral, 6, autosomal recessive. Identifiers: Orphanet 450, MedGen C3553676, MONDO:0013887, OMIM 614779.

Allele frequency attached by ClinVar (database versions not stated): gnomAD 0.00003; TOPMed 0.00001.
gnomAD v4.1: 9 of 1,613,836 alleles (0.00056%); highest among the groups gnomAD compares: African/African-American, 0.0093%; no homozygotes.

Submissions (2):

Ambry Genetics
Classification: Uncertain significance for Inborn genetic diseases. Last evaluated: 2025-10-24. Review status: criteria provided, single submitter. Criteria: Ambry Variant Classification Scheme 2023. Collection method: clinical testing. Allele origin: germline.

Labcorp Genetics (formerly Invitae), Labcorp
Classification: Uncertain significance for Heterotaxy, visceral, 6, autosomal. Last evaluated: 2019-07-03. Review status: criteria provided, single submitter. Criteria: Invitae Variant Classification Sherloc (09022015). Collection method: clinical testing. Allele origin: germline.
Comment: This sequence change replaces arginine with leucine at codon 505 of the CFAP53 protein (p.Arg505Leu). The arginine residue is highly conserved and there is a moderate physicochemical difference between arginine and leucine. This variant is not present in population databases (ExAC no frequency). This variant has not been reported in the literature in individuals with CFAP53-related disease. Algorithms developed to predict the effect of missense changes on protein structure and function do not agree on the potential impact of this missense change (SIFT: "Deleterious"; PolyPhen-2: "Probably Damaging"; Align-GVGD: "Class C0"). In summary, the available evidence is currently insufficient to determine the role of this variant in disease. Therefore, it has been classified as a Variant of Uncertain Significance.